The following is an entry in ClinVar:

ClinVar aggregate classification (germline): Uncertain significance (1 of 4 stars; one submission).

Allele frequency attached by ClinVar (database versions not stated): gnomAD 0.00001; gnomAD exomes 0.00001; ExAC 0.00002; TOPMed 0.00003; ESP Exome Variant Server 0.00008.
gnomAD v4.1: 36 of 1,607,882 alleles (0.0022%); highest among the groups gnomAD compares: Non-Finnish European, 0.0031%; no homozygotes.

Submission:

Labcorp Genetics (formerly Invitae), Labcorp
Classification: Uncertain significance. Last evaluated: 2025-08-09. Review status: criteria provided, single submitter. Criteria: Invitae Variant Classification Sherloc (09022015). Collection method: clinical testing. Allele origin: germline.
Comment: This sequence change replaces proline, which is neutral and non-polar, with serine, which is neutral and polar, at codon 311 of the ARHGEF1 protein (p.Pro311Ser). This variant is present in population databases (rs372800039, gnomAD 0.002%). This variant has not been reported in the literature in individuals affected with ARHGEF1-related conditions. ClinVar contains an entry for this variant (Variation ID: 1363824). An algorithm developed to predict the effect of missense changes on protein structure and function (PolyPhen-2) suggests that this variant is likely to be tolerated. In summary, the available evidence is currently insufficient to determine the role of this variant in disease. Therefore, it has been classified as a Variant of Uncertain Significance.

NM_004706.4(ARHGEF1):c.886C>T (p.Pro296Ser)

Gene: ARHGEF1 (Rho guanine nucleotide exchange factor 1; plus strand). Cytogenetic location: 19q13.2.
Variant type: single nucleotide variant.
Coding change: c.886C>T on transcript NM_004706.4 (MANE Select); coding-DNA position 886, C replaced by T.
Protein change: p.Pro296Ser; replaces proline 296 with serine.
Molecular consequence: missense variant.
Genome position (GRCh38, 1-based): chr19:41,895,357, C>T. VCF-style: chr19-41895357-C-T. GRCh37 (hg19) VCF-style: chr19-42399430-C-T.
Other names: c.787C>T, p.Pro263Ser (NM_198977.2); c.931C>T, p.Pro311Ser (NM_199002.2); short protein forms P311S, P263S, P296S.
Identifiers: ClinVar variation 1363824 (VCV001363824.8), dbSNP rs372800039, ClinGen allele CA9466108.